The following is an entry in ClinVar:

NM_153240.5(NPHP3):c.896C>T (p.Thr299Ile)

Genes: NPHP3 (nephrocystin 3; minus strand), NPHP3-ACAD11 (NPHP3-ACAD11 readthrough (NMD candidate); minus strand). Cytogenetic location: 3q22.1.
Variant type: single nucleotide variant.
Coding change: c.896C>T on transcript NM_153240.5 (MANE Select); coding-DNA position 896, C replaced by T.
Protein change: p.Thr299Ile; replaces threonine 299 with isoleucine.
Molecular consequence: missense variant. On other transcripts: non-coding transcript variant (1).
Genome position (GRCh38, 1-based): chr3:132,715,146, G>A on the plus strand (C>T on the coding strand, the complement: NPHP3 is on the minus strand). VCF-style: chr3-132715146-G-A. GRCh37 (hg19) VCF-style: chr3-132433990-G-A.
Other names: short protein forms T299I.
Identifiers: ClinVar variation 837368 (VCV000837368.7), dbSNP rs1940015669, ClinGen allele CA354586149.

ClinVar aggregate classification (germline): Uncertain significance (1 of 4 stars; one submission).

Conditions:
Nephronophthisis. Also called: Juvenile Nephronophthisis. Identifiers: Orphanet 655, MedGen C0687120, MONDO:0019005, HP:0000090.

Allele frequency attached by ClinVar (database versions not stated): gnomAD exomes below 0.00001; gnomAD 0.00001; TOPMed 0.00002.
gnomAD v4.1: 5 of 1,604,274 alleles (0.00031%); highest among the groups gnomAD compares: Non-Finnish European, 0.00043%; no homozygotes.

Submission:

Labcorp Genetics (formerly Invitae), Labcorp
Classification: Uncertain significance for Nephronophthisis. Last evaluated: 2021-08-26. Review status: criteria provided, single submitter. Criteria: Invitae Variant Classification Sherloc (09022015). Collection method: clinical testing. Allele origin: germline.
Comment: This sequence change replaces threonine with isoleucine at codon 299 of the NPHP3 protein (p.Thr299Ile). The threonine residue is moderately conserved and there is a moderate physicochemical difference between threonine and isoleucine. This variant is not present in population databases (ExAC no frequency). This variant has not been reported in the literature in individuals affected with NPHP3-related conditions. Algorithms developed to predict the effect of missense changes on protein structure and function (SIFT, PolyPhen-2, Align-GVGD) all suggest that this variant is likely to be tolerated. In summary, the available evidence is currently insufficient to determine the role of this variant in disease. Therefore, it has been classified as a Variant of Uncertain Significance.